The following is an entry in ClinVar:

NM_001374353.1(GLI2):c.1178C>T (p.Thr393Met)

Gene: GLI2 (GLI family zinc finger 2; plus strand). Cytogenetic location: 2q14.2.
Variant type: single nucleotide variant.
Coding change: c.1178C>T on transcript NM_001374353.1 (MANE Select); coding-DNA position 1178, C replaced by T.
Protein change: p.Thr393Met; replaces threonine 393 with methionine.
Molecular consequence: missense variant.
Genome position (GRCh38, 1-based): chr2:120,972,059, C>T. VCF-style: chr2-120972059-C-T. GRCh37 (hg19) VCF-style: chr2-121729635-C-T.
Other names: c.1178C>T, p.Thr393Met (NM_001371271.1, NM_005270.5); c.803C>T, p.Thr268Met (NM_001374354.1); short protein forms T393M, T268M.
Identifiers: ClinVar variation 645913 (VCV000645913.10), dbSNP rs571690193, ClinGen allele CA1851797.

ClinVar aggregate classification (germline): Conflicting classifications of pathogenicity. Review status: criteria provided, conflicting classifications (1 of 4 stars). 3 submissions from 3 submitters: Uncertain significance (2); Likely benign (1). Last evaluated 2026-01-06.

Conditions:
Inborn genetic diseases. Identifiers: MedGen C0950123, MeSH D030342.
Holoprosencephaly 9 (HPE9). Also called: HOLOPROSENCEPHALY WITH MICROPHTHALMIA AND FIRST BRANCHIAL ARCH ANOMALIES; PITUITARY ANOMALIES WITH HOLOPROSENCEPHALY-LIKE FEATURES. Identifiers: Orphanet 2162, MedGen C1835819, MONDO:0012563, OMIM 610829.
Postaxial polydactyly-anterior pituitary anomalies-facial dysmorphism syndrome. Also called: Culler-Jones syndrome. Identifiers: Orphanet 420584, MedGen C4014479, MONDO:0014369, OMIM 615849.

Allele frequency attached by ClinVar (database versions not stated): ExAC 0.00003; gnomAD exomes 0.00003 and 0.00005; gnomAD 0.00007 and 0.00009; TOPMed 0.00010; 1000 Genomes Project 0.00040; 1000 Genomes Project 30x 0.00047.
gnomAD v4.1: 52 of 1,613,106 alleles (0.0032%); highest among the groups gnomAD compares: Admixed American, 0.065%; no homozygotes.

Submissions (3):

Ambry Genetics
Classification: Likely benign for Inborn genetic diseases. Last evaluated: 2026-01-06. Review status: criteria provided, single submitter. Criteria: Ambry Variant Classification Scheme 2023. Collection method: clinical testing. Allele origin: germline.

Labcorp Genetics (formerly Invitae), Labcorp
Classification: Uncertain significance for Postaxial polydactyly-anterior pituitary anomalies-facial dysmorphism syndrome; Holoprosencephaly 9. Last evaluated: 2025-12-24. Review status: criteria provided, single submitter. Criteria: Invitae Variant Classification Sherloc (09022015). Collection method: clinical testing. Allele origin: germline.
Comment: This sequence change replaces threonine, which is neutral and polar, with methionine, which is neutral and non-polar, at codon 393 of the GLI2 protein (p.Thr393Met). This variant is present in population databases (rs571690193, gnomAD 0.02%). This variant has not been reported in the literature in individuals affected with GLI2-related conditions. ClinVar contains an entry for this variant (Variation ID: 645913). An algorithm developed to predict the effect of missense changes on protein structure and function (PolyPhen-2) suggests that this variant is likely to be disruptive. In summary, the available evidence is currently insufficient to determine the role of this variant in disease. Therefore, it has been classified as a Variant of Uncertain Significance.

Breakthrough Genomics
Classification: Uncertain significance. Review status: criteria provided, single submitter. Criteria: ACMG Guidelines, 2015. Collection method: not provided. Allele origin: germline. Inheritance: Autosomal dominant inheritance. Affected: yes.